The following is an entry in ClinVar:

NM_005121.3(MED13):c.136C>G (p.Pro46Ala)

Gene: MED13 (mediator complex subunit 13; minus strand). Cytogenetic location: 17q23.2.
Variant type: single nucleotide variant.
Coding change: c.136C>G on transcript NM_005121.3 (MANE Select); coding-DNA position 136, C replaced by G.
Protein change: p.Pro46Ala; replaces proline 46 with alanine.
Molecular consequence: missense variant.
Genome position (GRCh38, 1-based): chr17:62,063,232, G>C on the plus strand (C>G on the coding strand, the complement: MED13 is on the minus strand). VCF-style: chr17-62063232-G-C. GRCh37 (hg19) VCF-style: chr17-60140593-G-C.
Other names: short protein forms P46A.
Identifiers: ClinVar variation 3634751 (VCV003634751.2).

ClinVar aggregate classification (germline): Uncertain significance (1 of 4 stars; one submission).

gnomAD v4.1: 2 of 1,614,100 alleles (0.00012%); highest among the groups gnomAD compares: Non-Finnish European, 0.00017%; no homozygotes.

Submission:

Labcorp Genetics (formerly Invitae), Labcorp
Classification: Uncertain significance. Last evaluated: 2024-03-26. Review status: criteria provided, single submitter. Criteria: Invitae Variant Classification Sherloc (09022015). Collection method: clinical testing. Allele origin: germline.
Comment: This sequence change replaces proline, which is neutral and non-polar, with alanine, which is neutral and non-polar, at codon 46 of the MED13 protein (p.Pro46Ala). This variant is not present in population databases (gnomAD no frequency). This variant has not been reported in the literature in individuals affected with MED13-related conditions. Advanced modeling of protein sequence and biophysical properties (such as structural, functional, and spatial information, amino acid conservation, physicochemical variation, residue mobility, and thermodynamic stability) performed at Invitae indicates that this missense variant is not expected to disrupt MED13 protein function with a negative predictive value of 95%. In summary, the available evidence is currently insufficient to determine the role of this variant in disease. Therefore, it has been classified as a Variant of Uncertain Significance.